The following is an entry in ClinVar:

ClinVar aggregate classification (germline): Uncertain significance (1 of 4 stars; one submission).

Conditions:
Hereditary cancer-predisposing syndrome. Also called: Neoplastic Syndromes, Hereditary; Tumor predisposition; Hereditary Cancer Syndrome; Hereditary neoplastic syndrome. Identifiers: Orphanet 140162, MedGen C0027672, MeSH D009386, MONDO:0015356.

Submission:

Ambry Genetics
Classification: Uncertain significance for Hereditary cancer-predisposing syndrome. Last evaluated: 2022-03-01. Review status: criteria provided, single submitter. Criteria: Ambry Variant Classification Scheme 2023. Collection method: clinical testing. Allele origin: germline.
Comment: The p.Q554L variant (also known as c.1661A>T), located in coding exon 9 of the MEN1 gene, results from an A to T substitution at nucleotide position 1661. The glutamine at codon 554 is replaced by leucine, an amino acid with dissimilar properties. This amino acid position is conserved. In addition, the in silico prediction for this alteration is inconclusive. Since supporting evidence is limited at this time, the clinical significance of this alteration remains unclear.

NM_001370259.2(MEN1):c.1661A>T (p.Gln554Leu)

Gene: MEN1 (menin 1; minus strand). Cytogenetic location: 11q13.1.
Variant type: single nucleotide variant.
Coding change: c.1661A>T on transcript NM_001370259.2 (MANE Select); coding-DNA position 1661, A replaced by T.
Protein change: p.Gln554Leu; replaces glutamine 554 with leucine.
Molecular consequence: missense variant.
Genome position (GRCh38, 1-based): chr11:64,804,506, T>A on the plus strand (A>T on the coding strand, the complement: MEN1 is on the minus strand). VCF-style: chr11-64804506-T-A. GRCh37 (hg19) VCF-style: chr11-64571978-T-A.
Other names: c.1676A>T, p.Gln559Leu (NM_000244.4, NM_001407145.1, NM_130800.3 and 4 more transcripts); c.1787A>T, p.Gln596Leu (NM_001370251.2, NM_001407142.1, NM_001407143.1 and 1 more transcripts); c.1661A>T, p.Gln554Leu (NM_001370260.2, NM_001370261.2, NM_001407146.1 and 2 more transcripts); c.1556A>T, p.Gln519Leu (NM_001370262.2, NM_001370263.2, NM_001407148.1 and 1 more transcripts); c.1802A>T, p.Gln601Leu (NM_001407150.1); c.1682A>T, p.Gln561Leu (NM_001407151.1); c.1496A>T, p.Gln499Leu (NM_001407152.1); short protein forms Q499L, Q519L, Q559L, Q554L, Q596L, Q561L, Q601L.
Identifiers: ClinVar variation 1777489 (VCV001777489.2), dbSNP rs2497107430, ClinGen allele CA381177814.